The following is an entry in ClinVar:

NC_000019.9:g.(?_11168925)_(11172498_?)dup

Gene: SMARCA4 (SWI/SNF related BAF chromatin remodeling complex subunit ATPase 4; plus strand). Cytogenetic location: 19p13.2.
Variant type: Duplication.
Identifiers: ClinVar variation 537916 (VCV000537916.6).

ClinVar aggregate classification (germline): Uncertain significance (1 of 4 stars; one submission).

Conditions:
Rhabdoid tumor predisposition syndrome 2 (RTPS2). Identifiers: Orphanet 231108, Orphanet 69077, MedGen C2750074, MONDO:0013224, OMIM 613325.

Submission:

Labcorp Genetics (formerly Invitae), Labcorp
Classification: Uncertain significance for Rhabdoid tumor predisposition syndrome 2. Last evaluated: 2021-08-04. Review status: criteria provided, single submitter. Criteria: Invitae Variant Classification Sherloc (09022015). Collection method: clinical testing. Allele origin: germline.
Comment: This variant results in a copy number gain of the genomic region encompassing exon(s) 32-36 of the SMARCA4 gene. The 5' boundary is likely confined to intron 31. The 3' end of this event is unknown as it extends beyond the assayed region for this gene and therefore may encompass additional genes. As the precise location of this event is unknown, it may be in tandem or it may be located elsewhere in the genome. This variant has not been reported in the literature in individuals affected with SMARCA4-related conditions. Experimental studies and prediction algorithms are not available or were not evaluated, and the functional significance of this variant is currently unknown. In summary, the available evidence is currently insufficient to determine the role of this variant in disease. Therefore, it has been classified as a Variant of Uncertain Significance.